The following is an entry in ClinVar:

NM_001349338.3(FOXP1):c.505A>G (p.Lys169Glu)

Gene: FOXP1 (forkhead box P1; minus strand). Cytogenetic location: 3p13.
Variant type: single nucleotide variant.
Coding change: c.505A>G on transcript NM_001349338.3 (MANE Select); coding-DNA position 505, A replaced by G.
Protein change: p.Lys169Glu; replaces lysine 169 with glutamic acid.
Molecular consequence: missense variant. On other transcripts: non-coding transcript variant (2), intron variant (1).
Genome position (GRCh38, 1-based): chr3:71,052,542, T>C on the plus strand (A>G on the coding strand, the complement: FOXP1 is on the minus strand). VCF-style: chr3-71052542-T-C. GRCh37 (hg19) VCF-style: chr3-71101693-T-C.
Other names: p.Lys169Glu; c.505A>G, p.Lys169Glu (NM_001244808.3, NM_001244810.2, NM_001244814.3 and 3 more transcripts); c.205A>G, p.Lys69Glu (NM_001244813.3, NM_001244815.2, NM_001349342.3 and 1 more transcripts); c.202A>G, p.Lys68Glu (NM_001349337.2, NM_001349343.3, NM_001349344.3); c.502A>G, p.Lys168Glu (NM_001349341.3); c.283-5447A>G (NM_001244812.3); short protein forms K168E, K169E, K68E, K69E.
Identifiers: ClinVar variation 4540893 (VCV004540893.1).
Genomic context (GRCh38, chr3:71,052,542, plus strand): 5'-ACTAGATAGTCCTCTGGGATCTGTGGTTTGAAAGTAAAATATGTATTGTCGGTACCTCTT[T>C]AGGCTGTTTTCCAGCATGTTGTTGTTGTAAAAGTTGAAGCTGCAACTGTTCCTGTTGTTT-3'
Protein context (NP_001336267.1, residues 159-179): LQQQHAGKQP[Lys169Glu]EQQQVATQQL

ClinVar aggregate classification (germline): Uncertain significance (1 of 4 stars; one submission).

gnomAD v4.1: 1 of 1,248,980 alleles (0.00008%); highest among the groups gnomAD compares: Non-Finnish European, 0.00012%; no homozygotes.

Submission:

Mayo Clinic Laboratories, Mayo Clinic
Classification: Uncertain significance. Last evaluated: 2025-05-14. Review status: criteria provided, single submitter. Criteria: ACMG Guidelines, 2015. Collection method: clinical testing. Allele origin: germline. Observed: 1 variant allele.
Comment: BP4, PM2_supporting